The following is an entry in ClinVar:

NM_025243.4(SLC19A3):c.1073G>A (p.Gly358Asp)

Gene: SLC19A3 (solute carrier family 19 member 3; minus strand). Cytogenetic location: 2q36.3.
Variant type: single nucleotide variant.
Coding change: c.1073G>A on transcript NM_025243.4 (MANE Select); coding-DNA position 1073, G replaced by A.
Protein change: p.Gly358Asp; replaces glycine 358 with aspartic acid.
Molecular consequence: missense variant.
Genome position (GRCh38, 1-based): chr2:227,695,988, C>T on the plus strand (G>A on the coding strand, the complement: SLC19A3 is on the minus strand). VCF-style: chr2-227695988-C-T. GRCh37 (hg19) VCF-style: chr2-228560704-C-T.
Other names: c.1073G>A, p.Gly358Asp (NM_001371411.1, NM_001371412.1); c.1061G>A, p.Gly354Asp (NM_001371413.1, NM_001371414.1); short protein forms G358D, G354D.
Identifiers: ClinVar variation 1467371 (VCV001467371.6), dbSNP rs1344961969, ClinGen allele CA350875853.

ClinVar aggregate classification (germline): Uncertain significance (1 of 4 stars; one submission).

Conditions:
Biotin-responsive basal ganglia disease (BTBGD). Also called: Thiamine metabolism dysfunction syndrome 2 (biotin- or thiamine-responsive encephalopathy type 2); thiamine-responsive encephalopathy; Thiamine metabolism dysfunction syndrome type 2; THIAMINE METABOLISM DYSFUNCTION SYNDROME 2 (BIOTIN- AND THIAMINE-RESPONSIVE TYPE); Thiamine Transporter-2 Deficiency. Identifiers: Orphanet 199348, Orphanet 65284, MedGen C1843807, MONDO:0011841, OMIM 607483.

Submission:

Labcorp Genetics (formerly Invitae), Labcorp
Classification: Uncertain significance for Biotin-responsive basal ganglia disease. Last evaluated: 2023-11-27. Review status: criteria provided, single submitter. Criteria: Invitae Variant Classification Sherloc (09022015). Collection method: clinical testing. Allele origin: germline.
Comment: This sequence change replaces glycine, which is neutral and non-polar, with aspartic acid, which is acidic and polar, at codon 358 of the SLC19A3 protein (p.Gly358Asp). This variant is not present in population databases (gnomAD no frequency). This variant has not been reported in the literature in individuals affected with SLC19A3-related conditions. ClinVar contains an entry for this variant (Variation ID: 1467371). Advanced modeling of protein sequence and biophysical properties (such as structural, functional, and spatial information, amino acid conservation, physicochemical variation, residue mobility, and thermodynamic stability) performed at Invitae indicates that this missense variant is expected to disrupt SLC19A3 protein function with a positive predictive value of 80%. In summary, the available evidence is currently insufficient to determine the role of this variant in disease. Therefore, it has been classified as a Variant of Uncertain Significance.